The following is an entry in ClinVar:

ClinVar aggregate classification (germline): Likely benign (1 of 4 stars; one submission).

Allele frequency attached by ClinVar (database versions not stated): TOPMed 0.00001.

Submission:

CeGaT Center for Human Genetics Tuebingen
Classification: Likely benign. Last evaluated: 2023-01-01. Review status: criteria provided, single submitter. Criteria: CeGaT Center For Human Genetics Tuebingen Variant Classification Criteria Version 2. Collection method: clinical testing. Allele origin: germline. Affected: yes. Observed: 1 variant allele.
Comment: IGHMBP2: PM2:Supporting, BP4, BP7

NM_002180.3(IGHMBP2):c.1962G>A (p.Glu654=)

Gene: IGHMBP2 (immunoglobulin mu DNA binding protein 2; plus strand). Cytogenetic location: 11q13.3.
Variant type: single nucleotide variant.
Coding change: c.1962G>A on transcript NM_002180.3 (MANE Select); coding-DNA position 1962, G replaced by A.
Protein change: p.Glu654=; no amino-acid change (glutamic acid 654 retained).
Molecular consequence: synonymous variant.
Genome position (GRCh38, 1-based): chr11:68,936,442, G>A. VCF-style: chr11-68936442-G-A. GRCh37 (hg19) VCF-style: chr11-68703910-G-A.
Identifiers: ClinVar variation 2498527 (VCV002498527.28), dbSNP rs1477724623, ClinGen allele CA475278968.
Genomic context (GRCh38, chr11:68,936,442, plus strand): 5'-GGAAGTACGCACGGCCTTTGAGTATCTTGACGATATTGTCCCAGAAAACTATTCCCATGA[G>A]AACTCCCAGGGTTCCAGCCACGCTGCCACCAAGCCCCAGGGACCTGCTACGTCCACCAGG-3'
Protein context (NP_002171.2, residues 644-664): DDIVPENYSH[Glu654=]NSQGSSHAAT